The following is an entry in ClinVar:

NM_001401501.2(MUC16):c.38338T>C (p.Cys12780Arg)

Gene: MUC16 (mucin 16, cell surface associated; minus strand). Cytogenetic location: 19p13.2.
Variant type: single nucleotide variant.
Coding change: c.38338T>C on transcript NM_001401501.2 (MANE Select); coding-DNA position 38338, T replaced by C.
Protein change: p.Cys12780Arg; replaces cysteine 12780 with arginine.
Molecular consequence: missense variant.
Genome position (GRCh38, 1-based): chr19:8,904,995, A>G on the plus strand (T>C on the coding strand, the complement: MUC16 is on the minus strand). VCF-style: chr19-8904995-A-G. GRCh37 (hg19) VCF-style: chr19-9015671-A-G.
Other names: c.38764T>C, p.Cys12922Arg (NM_001414686.1); c.38218T>C, p.Cys12740Arg (NM_001414687.1); c.38152T>C, p.Cys12718Arg (NM_024690.2); short protein forms C12718R, C12740R, C12780R, C12922R.
Identifiers: ClinVar variation 3037772 (VCV003037772.2), dbSNP rs114264815, ClinGen allele CA9164733.

ClinVar aggregate classification (germline): Benign (0 of 4 stars; one submission).

Conditions:
MUC16-related disorder. Also called: MUC16-related condition.

Allele frequency attached by ClinVar (database versions not stated): ESP Exome Variant Server 0.02275; gnomAD 0.02965; 1000 Genomes Project 0.03415; 1000 Genomes Project 30x 0.08104.

Submission:

PreventionGenetics, part of Exact Sciences
Classification: Benign for MUC16-related condition. Last evaluated: 2019-05-01. Review status: no assertion criteria provided. Collection method: clinical testing. Allele origin: germline.
Comment: This variant is classified as benign based on ACMG/AMP sequence variant interpretation guidelines (Richards et al. 2015 PMID: 25741868, with internal and published modifications).